The following is an entry in ClinVar:

NM_000400.4(ERCC2):c.1291C>T (p.Pro431Ser)

Gene: ERCC2 (ERCC excision repair 2, TFIIH core complex helicase subunit; minus strand). Cytogenetic location: 19q13.32.
Variant type: single nucleotide variant.
Coding change: c.1291C>T on transcript NM_000400.4 (MANE Select); coding-DNA position 1291, C replaced by T.
Protein change: p.Pro431Ser; replaces proline 431 with serine.
Molecular consequence: missense variant.
Genome position (GRCh38, 1-based): chr19:45,357,646, G>A on the plus strand (C>T on the coding strand, the complement: ERCC2 is on the minus strand). VCF-style: chr19-45357646-G-A. GRCh37 (hg19) VCF-style: chr19-45860904-G-A.
Other names: short protein forms P431S.
Identifiers: ClinVar variation 3509830 (VCV003509830.1).
Genomic context (GRCh38, chr19:45,357,646, plus strand): 5'-CCCGACCCACAGAGCATTCACACCCTCACCGGGCAGGGTCCCACCTGAAGTGCAGGATGG[G>A]GTTGGCAATGGTCGGGGTTCTGTCGTCAAAGGGCTCGATGATGATGGTGAAGCCTGCAGA-3'
Protein context (NP_000391.1, residues 421-441): FDDRTPTIAN[Pro431Ser]ILHFSCMDAS

ClinVar aggregate classification (germline): Uncertain significance (1 of 4 stars; one submission).

Conditions:
Inborn genetic diseases. Identifiers: MedGen C0950123, MeSH D030342.

Submission:

Ambry Genetics
Classification: Uncertain significance for Inborn genetic diseases. Last evaluated: 2024-07-14. Review status: criteria provided, single submitter. Criteria: Ambry Variant Classification Scheme 2023. Collection method: clinical testing. Allele origin: germline.
Comment: The p.P431S variant (also known as c.1291C>T), located in coding exon 13 of the ERCC2 gene, results from a C to T substitution at nucleotide position 1291. The proline at codon 431 is replaced by serine, an amino acid with similar properties. This amino acid position is conserved. In addition, this alteration is predicted to be deleterious by in silico analysis. Based on the available evidence, the clinical significance of this variant remains unclear.